The following is an entry in ClinVar:

ClinVar aggregate classification (germline): Uncertain significance (1 of 4 stars; one submission).

Conditions:
Familial cancer of breast. Also called: hereditary breast carcinoma; BREAST CANCER, FAMILIAL; Hereditary breast cancer. Identifiers: Orphanet 227535, MedGen C0346153, MONDO:0016419, OMIM 114480. Disease mechanism: loss of function.

Submission:

Labcorp Genetics (formerly Invitae), Labcorp
Classification: Uncertain significance for Familial cancer of breast. Last evaluated: 2023-02-22. Review status: criteria provided, single submitter. Criteria: Invitae Variant Classification Sherloc (09022015). Collection method: clinical testing. Allele origin: germline.
Comment: This variant has not been reported in the literature in individuals affected with PALB2-related conditions. This variant is not present in population databases (gnomAD no frequency). This sequence change replaces valine, which is neutral and non-polar, with leucine, which is neutral and non-polar, at codon 504 of the PALB2 protein (p.Val504Leu). In summary, the available evidence is currently insufficient to determine the role of this variant in disease. Therefore, it has been classified as a Variant of Uncertain Significance. Advanced modeling of protein sequence and biophysical properties (such as structural, functional, and spatial information, amino acid conservation, physicochemical variation, residue mobility, and thermodynamic stability) performed at Invitae indicates that this missense variant is not expected to disrupt PALB2 protein function.

NM_024675.4(PALB2):c.1510G>C (p.Val504Leu)

Gene: PALB2 (partner and localizer of BRCA2; minus strand). Cytogenetic location: 16p12.2.
Variant type: single nucleotide variant.
Coding change: c.1510G>C on transcript NM_024675.4 (MANE Select); coding-DNA position 1510, G replaced by C.
Protein change: p.Val504Leu; replaces valine 504 with leucine.
Molecular consequence: missense variant. On other transcripts: intron variant (3).
Genome position (GRCh38, 1-based): chr16:23,635,036, C>G on the plus strand (G>C on the coding strand, the complement: PALB2 is on the minus strand). VCF-style: chr16-23635036-C-G. GRCh37 (hg19) VCF-style: chr16-23646357-C-G.
Other names: c.1450G>C, p.Val484Leu (NM_001407296.1); c.1510G>C, p.Val504Leu (NM_001407297.1, NM_001407298.1, NM_001407299.1 and 3 more transcripts); c.625G>C, p.Val209Leu (NM_001407304.1, NM_001407305.1, NM_001407306.1 and 5 more transcripts); c.49-5761G>C (NM_001407314.1); c.-104-4567G>C (NM_001407313.1, NM_001407312.1); short protein forms V484L, V504L, V209L.
Identifiers: ClinVar variation 2839783 (VCV002839783.3), dbSNP rs771846754, ClinGen allele CA395131019.